The following is an entry in ClinVar:

ClinVar aggregate classification (germline): Conflicting classifications of pathogenicity. Review status: criteria provided, conflicting classifications (1 of 4 stars). 4 submissions from 4 submitters: Uncertain significance (3); Benign (1). Last evaluated 2025-12-23.

Conditions:
PRPF31-related disorder. Also called: PRPF31-related condition.
Inborn genetic diseases. Identifiers: MedGen C0950123, MeSH D030342.

Allele frequency attached by ClinVar (database versions not stated): ESP Exome Variant Server 0.00015; 1000 Genomes Project 30x 0.00016; 1000 Genomes Project 0.00020.
gnomAD v4.1: 52 of 1,582,138 alleles (0.0033%); highest among the groups gnomAD compares: African/African-American, 0.055%; no homozygotes.

Submissions (4):

Labcorp Genetics (formerly Invitae), Labcorp
Classification: Uncertain significance. Last evaluated: 2025-12-23. Review status: criteria provided, single submitter. Criteria: Invitae Variant Classification Sherloc (09022015). Collection method: clinical testing. Allele origin: germline.
Comment: This sequence change replaces arginine, which is basic and polar, with glycine, which is neutral and non-polar, at codon 406 of the PRPF31 protein (p.Arg406Gly). This variant is present in population databases (rs200636980, gnomAD 0.05%), and has an allele count higher than expected for a pathogenic variant. This variant has not been reported in the literature in individuals affected with PRPF31-related conditions. ClinVar contains an entry for this variant (Variation ID: 1372245). An algorithm developed to predict the effect of missense changes on protein structure and function (PolyPhen-2) suggests that this variant is likely to be disruptive. In summary, the available evidence is currently insufficient to determine the role of this variant in disease. Therefore, it has been classified as a Variant of Uncertain Significance.

Ambry Genetics
Classification: Uncertain significance for Inborn genetic diseases. Last evaluated: 2025-06-30. Review status: criteria provided, single submitter. Criteria: Ambry Variant Classification Scheme 2023. Collection method: clinical testing. Allele origin: germline.

PreventionGenetics, part of Exact Sciences
Classification: Uncertain significance for PRPF31-related condition. Last evaluated: 2024-12-27. Review status: criteria provided, single submitter. Criteria: ACMG Guidelines, 2015. Collection method: clinical testing. Allele origin: germline.
Comment: The PRPF31 c.1216C>G variant is predicted to result in the amino acid substitution p.Arg406Gly. To our knowledge, this variant has not been reported in the literature. This variant is reported in 0.053% of alleles in individuals of African descent in gnomAD. Although we suspect that this variant may be benign, at this time, the clinical significance of this variant is uncertain due to the absence of conclusive functional and genetic evidence.

Blueprint Genetics
Classification: Benign. Last evaluated: 2022-11-17. Review status: criteria provided, single submitter. Criteria: ACMG Guidelines, 2015. Collection method: clinical testing. Allele origin: germline.

NM_015629.4(PRPF31):c.1216C>G (p.Arg406Gly)

Gene: PRPF31 (pre-mRNA processing factor 31; plus strand). Cytogenetic location: 19q13.42.
Variant type: single nucleotide variant.
Coding change: c.1216C>G on transcript NM_015629.4 (MANE Select); coding-DNA position 1216, C replaced by G.
Protein change: p.Arg406Gly; replaces arginine 406 with glycine.
Molecular consequence: missense variant.
Genome position (GRCh38, 1-based): chr19:54,129,126, C>G. VCF-style: chr19-54129126-C-G. GRCh37 (hg19) VCF-style: chr19-54632501-C-G.
Other names: c.1216C>G (NM_015629.3); short protein forms R406G.
Identifiers: ClinVar variation 1372245 (VCV001372245.11), dbSNP rs200636980, ClinGen allele CA407754680.
Genomic context (GRCh38, chr19:54,129,126, plus strand): 5'-GACGCCTACCAGGAGGACCTGGGATTCAGCCTGGGCCACCTGGGCAAGTCGGGCAGTGGG[C>G]GTGTGCGGCAGACACAGGTAAACGAGGCCACCAAGGCCAGGATCTCCAAGACGCTGCAGG-3'
Protein context (NP_056444.3, residues 396-416): LGHLGKSGSG[Arg406Gly]VRQTQVNEAT